The following is an entry in ClinVar:

ClinVar aggregate classification (germline): Uncertain significance (1 of 4 stars; one submission).

Submission:

Dasa
Classification: Uncertain significance. Last evaluated: 2026-03-20. Review status: criteria provided, single submitter. Criteria: DASA Assertion Criteria. Collection method: clinical testing. Allele origin: germline.
Comment: NM_002296.4(LBR):c.1483+3_1483+6del is a splice-region variant. This variant is rare in population databases. Computational prediction algorithms are consistent with a deleterious effect. The currently available literature and clinical evidence are not sufficient to establish a definitive association between this variant and the reported condition. Therefore, this variant is classified as a variant of uncertain significance.

NM_002296.4(LBR):c.1483+3_1483+6del

Gene: LBR (lamin B receptor; minus strand). Cytogenetic location: 1q42.12.
Variant type: Deletion.
Coding change: c.1483+3_1483+6del on transcript NM_002296.4 (MANE Select); bases 3 to 6 of the intron after coding-DNA position 1483, 4 bases deleted (GAGT; older notation c.1483+3_1483+6delGAGT).
Molecular consequence: splice donor variant.
Genome position (GRCh38, 1-based): chr1:225,406,658-225,406,661, ACTC deleted on the plus strand (GAGT on the coding strand, the reverse complement: LBR is on the minus strand); deleting any 4 consecutive bases within chr1:225,406,658-225,406,663 gives the same sequence; the c. name uses the placement nearest the transcript's 3' end. VCF-style (leftmost placement, unchanged base first): chr1-225406657-TACTC-T. GRCh37 (hg19) VCF-style: chr1-225594359-TACTC-T.
Other names: c.1483+3_1483+6del (NM_194442.3).
Identifiers: ClinVar variation 4884067 (VCV004884067.2).
Genomic context (GRCh38, chr1:225,406,657, plus strand): 5'-AGCAGGGCATAAAAGCCTCAGTACATAATATTTAATAAATTAAACTGAGACTAAAATTAA[TACTC>T]ACGTTTCAGAACAATAATTAGAGAAGCCATTGGCCAAGACACTTCATTTGGATGACTGAC-3'